The following is an entry in ClinVar:

ClinVar aggregate classification (germline): Uncertain significance (1 of 4 stars; one submission).

Submission:

GeneDx
Classification: Uncertain significance. Last evaluated: 2025-02-26. Review status: criteria provided, single submitter. Criteria: GeneDx Variant Classification Process June 2021. Collection method: clinical testing. Allele origin: germline. Affected: yes.
Comment: Not observed at significant frequency in large population cohorts (gnomAD); In silico analysis supports that this missense variant has a deleterious effect on protein structure/function; Has not been previously published as pathogenic or benign to our knowledge; This variant is associated with the following publications: (PMID: 22591296, 22751495)

NM_139276.3(STAT3):c.1758G>A (p.Met586Ile)

Gene: STAT3 (signal transducer and activator of transcription 3; minus strand). Cytogenetic location: 17q21.2.
Variant type: single nucleotide variant.
Coding change: c.1758G>A on transcript NM_139276.3 (MANE Select); coding-DNA position 1758, G replaced by A.
Protein change: p.Met586Ile; replaces methionine 586 with isoleucine.
Molecular consequence: missense variant.
Genome position (GRCh38, 1-based): chr17:42,323,134, C>T on the plus strand (G>A on the coding strand, the complement: STAT3 is on the minus strand). VCF-style: chr17-42323134-C-T. GRCh37 (hg19) VCF-style: chr17-40475152-C-T.
Other names: c.1758G>A, p.Met586Ile (NM_001369512.1, NM_001369513.1, NM_001369514.1 and 9 more transcripts); c.1674G>A, p.Met558Ile (NM_001384984.1); c.1680G>A, p.Met560Ile (NM_001384985.1); c.1773G>A, p.Met591Ile (NM_001384986.1, NM_001384990.1); c.1737G>A, p.Met579Ile (NM_001384987.1); c.1662G>A, p.Met554Ile (NM_001384989.1); c.1731G>A, p.Met577Ile (NM_001384991.1); c.1698G>A, p.Met566Ile (NM_001384992.1); short protein forms M554I, M558I, M560I, M566I, M577I, M579I, M586I, M591I.
Identifiers: ClinVar variation 4077234 (VCV004077234.1).
Genomic context (GRCh38, chr17:42,323,134, plus strand): 5'-GAAGGTGCCTGGAGGCTTAGTGCTCAAGATGGCCCGCTCCCGCTCCTTACTGATAAAGCC[C>T]ATGATGTACCTGGAGCCAAGGAGGAGGAACAATGTTGTTATTGCTAACAGGGCATCCATC-3'
Protein context (NP_644805.1, residues 576-596): ILALWNEGYI[Met586Ile]GFISKERERA